The following is an entry in ClinVar:

NM_020686.6(ABAT):c.70+9C>T

Gene: ABAT (4-aminobutyrate aminotransferase; plus strand). Cytogenetic location: 16p13.2.
Variant type: single nucleotide variant.
Coding change: c.70+9C>T on transcript NM_020686.6 (MANE Select); 9 bases into the intron after coding-DNA position 70, C replaced by T.
Molecular consequence: intron variant.
Genome position (GRCh38, 1-based): chr16:8,735,818, C>T. VCF-style: chr16-8735818-C-T. GRCh37 (hg19) VCF-style: chr16-8829675-C-T.
Other names: c.70+9C>T (NM_001386602.1, NM_001386615.1, NM_001386609.1 and 13 more transcripts); c.-65-10183C>T (NM_001386611.1, NM_001386612.1, NM_001386613.1).
Identifiers: ClinVar variation 529794 (VCV000529794.14), dbSNP rs374147109, ClinGen allele CA7892928.

ClinVar aggregate classification (germline): Likely benign. Review status: criteria provided, single submitter (1 of 4 stars). 2 submissions from 2 submitters: Likely benign (1). 1 of the submissions does not count toward it. Last evaluated 2025-11-29.

Conditions:
Gamma-aminobutyric acid transaminase deficiency (GABATD). Also called: GABA aminotransaminase deficiency; GABA transaminase deficiency; Gamma aminobutyrate transaminase deficiency; 4 alpha aminobutyrate transaminase deficiency. Identifiers: Orphanet 2066, MedGen C0342708, MONDO:0013166, OMIM 613163.
ABAT-related disorder. Also called: ABAT-related condition.

Allele frequency attached by ClinVar (database versions not stated): gnomAD exomes 0.00003 and 0.00004; gnomAD 0.00004 and 0.00005; ExAC 0.00005; TOPMed 0.00007; ESP Exome Variant Server 0.00015.

Submissions (2):

Labcorp Genetics (formerly Invitae), Labcorp
Classification: Likely benign for Gamma-aminobutyric acid transaminase deficiency. Last evaluated: 2025-11-29. Review status: criteria provided, single submitter. Criteria: Invitae Variant Classification Sherloc (09022015). Collection method: clinical testing. Allele origin: germline.

PreventionGenetics, part of Exact Sciences
Classification: Likely benign for ABAT-related condition. Last evaluated: 2019-08-14. Review status: no assertion criteria provided. Collection method: clinical testing. Allele origin: germline. Not counted in ClinVar's aggregate classification.
Comment: This variant is classified as likely benign based on ACMG/AMP sequence variant interpretation guidelines (Richards et al. 2015 PMID: 25741868, with internal and published modifications).